The following is an entry in ClinVar:

ClinVar aggregate classification (germline): Uncertain significance (1 of 4 stars; one submission).

Allele frequency attached by ClinVar (database versions not stated): gnomAD 0.00001; TOPMed below 0.00001.
gnomAD v4.1: 4 of 1,613,990 alleles (0.00025%); highest among the groups gnomAD compares: African/African-American, 0.0013%; no homozygotes.

Submission:

Labcorp Genetics (formerly Invitae), Labcorp
Classification: Uncertain significance. Last evaluated: 2022-02-04. Review status: criteria provided, single submitter. Criteria: Invitae Variant Classification Sherloc (09022015). Collection method: clinical testing. Allele origin: germline.
Comment: This sequence change replaces serine, which is neutral and polar, with tyrosine, which is neutral and polar, at codon 1410 of the LRP2 protein (p.Ser1410Tyr). This variant is not present in population databases (gnomAD no frequency). This variant has not been reported in the literature in individuals affected with LRP2-related conditions. Advanced modeling of protein sequence and biophysical properties (such as structural, functional, and spatial information, amino acid conservation, physicochemical variation, residue mobility, and thermodynamic stability) performed at Invitae indicates that this missense variant is expected to disrupt LRP2 protein function. Algorithms developed to predict the effect of sequence changes on RNA splicing suggest that this variant may create or strengthen a splice site. In summary, the available evidence is currently insufficient to determine the role of this variant in disease. Therefore, it has been classified as a Variant of Uncertain Significance.

NM_004525.3(LRP2):c.4229C>A (p.Ser1410Tyr)

Gene: LRP2 (LDL receptor related protein 2; minus strand). Cytogenetic location: 2q31.1.
Variant type: single nucleotide variant.
Coding change: c.4229C>A on transcript NM_004525.3 (MANE Select); coding-DNA position 4229, C replaced by A.
Protein change: p.Ser1410Tyr; replaces serine 1410 with tyrosine.
Molecular consequence: missense variant.
Genome position (GRCh38, 1-based): chr2:169,239,592, G>T on the plus strand (C>A on the coding strand, the complement: LRP2 is on the minus strand). VCF-style: chr2-169239592-G-T. GRCh37 (hg19) VCF-style: chr2-170096102-G-T.
Other names: short protein forms S1410Y.
Identifiers: ClinVar variation 1500058 (VCV001500058.5), dbSNP rs1689731610, ClinGen allele CA349145575.